The following is an entry in ClinVar:

ClinVar aggregate classification (germline): Uncertain significance (1 of 4 stars; one submission).

Conditions:
Thrombocytopenia 1. Also called: X-Linked Thrombocytopenia (XLT); THROMBOCYTOPENIA, X-LINKED, 1; X-linked thrombocytopenia with normal platelets. Identifiers: Orphanet 268322, Orphanet 852, MedGen C1839163, MONDO:0010743, OMIM 313900.
X-linked severe congenital neutropenia (SCNX). Identifiers: Orphanet 86788, MedGen C1845987, MONDO:0010294, OMIM 300299.
Wiskott-Aldrich syndrome (WAS). Also called: WISKOTT-ALDRICH SYNDROME 1; ALDRICH SYNDROME; IMMUNODEFICIENCY 2; Wiskott-aldrich syndrome, somatic. Identifiers: Orphanet 906, MedGen C0043194, MONDO:0010518, OMIM 301000.

Submission:

Labcorp Genetics (formerly Invitae), Labcorp
Classification: Uncertain significance for Wiskott-Aldrich syndrome; X-linked severe congenital neutropenia; Thrombocytopenia 1. Last evaluated: 2023-11-11. Review status: criteria provided, single submitter. Criteria: Invitae Variant Classification Sherloc (09022015). Collection method: clinical testing. Allele origin: germline.
Comment: This sequence change disrupts the translational stop signal of the WAS mRNA. It is expected to extend the length of the WAS protein by 79 additional amino acid residues. This variant is not present in population databases (gnomAD no frequency). This protein extension has been observed in individuals with clinical features of WAS-related conditions (PMID: 15284122). This variant is also known as 1542G>C, X503S. This variant results in an extension of the WAS protein. Other variant(s) that result in a similarly extended protein product (p.*503Trpext*79) have been observed in individuals with WAS-related disease (PMID: 14612970). This suggests that these extensions may be clinically significant. In summary, the available evidence is currently insufficient to determine the role of this variant in disease. Therefore, it has been classified as a Variant of Uncertain Significance.

Literature cited by the submitters: PubMed 15284122; PubMed 14612970.

NM_000377.3(WAS):c.1508G>C (p.Ter503Ser)

Gene: WAS (WASP actin nucleation promoting factor; plus strand). Cytogenetic location: Xp11.23.
Variant type: single nucleotide variant.
Coding change: c.1508G>C on transcript NM_000377.3 (MANE Select); coding-DNA position 1508, G replaced by C.
Protein change: p.Ter503Ser.
Molecular consequence: stop lost.
Genome position (GRCh38, 1-based): chrX:48,691,161, G>C. VCF-style: chrX-48691161-G-C. GRCh37 (hg19) VCF-style: chrX-48549552-G-C.
Identifiers: ClinVar variation 2925674 (VCV002925674.3), dbSNP rs1241403780, ClinGen allele CA412874189.